The following is an entry in ClinVar:

NM_001378120.1(MBD5):c.1081C>T (p.Leu361Phe)

Gene: MBD5 (methyl-CpG binding domain protein 5; plus strand). Cytogenetic location: 2q23.1.
Variant type: single nucleotide variant.
Coding change: c.1081C>T on transcript NM_001378120.1 (MANE Select); coding-DNA position 1081, C replaced by T.
Protein change: p.Leu361Phe; replaces leucine 361 with phenylalanine.
Molecular consequence: missense variant.
Genome position (GRCh38, 1-based): chr2:148,469,024, C>T. VCF-style: chr2-148469024-C-T. GRCh37 (hg19) VCF-style: chr2-149226593-C-T.
Other names: c.1081C>T, p.Leu361Phe (NM_018328.5); short protein forms L361F.
Identifiers: ClinVar variation 1371619 (VCV001371619.6), dbSNP rs2105629006, ClinGen allele CA348718335.

ClinVar aggregate classification (germline): Uncertain significance (1 of 4 stars; one submission).

Conditions:
Intellectual developmental disorder, autosomal dominant 1. Also called: Intellectual disability, autosomal dominant 1; MBD5 Haploinsufficiency. Identifiers: Orphanet 228402, MedGen C1969562, MONDO:0007974, OMIM 156200.

Submission:

Labcorp Genetics (formerly Invitae), Labcorp
Classification: Uncertain significance for Intellectual developmental disorder, autosomal dominant 1. Last evaluated: 2021-08-02. Review status: criteria provided, single submitter. Criteria: Invitae Variant Classification Sherloc (09022015). Collection method: clinical testing. Allele origin: germline.
Comment: In summary, the available evidence is currently insufficient to determine the role of this variant in disease. Therefore, it has been classified as a Variant of Uncertain Significance. This sequence change replaces leucine with phenylalanine at codon 361 of the MBD5 protein (p.Leu361Phe). The leucine residue is highly conserved and there is a small physicochemical difference between leucine and phenylalanine. This variant is not present in population databases (ExAC no frequency). This variant has not been reported in the literature in individuals affected with MBD5-related conditions. Algorithms developed to predict the effect of missense changes on protein structure and function are either unavailable or do not agree on the potential impact of this missense change (SIFT: "Deleterious"; PolyPhen-2: "Possibly Damaging"; Align-GVGD: "Class C15").